The following is an entry in ClinVar:

NM_001378189.1(CFAP57):c.3105G>T (p.Glu1035Asp)

Genes: CFAP57 (cilia and flagella associated protein 57; plus strand), EBNA1BP2 (EBNA1 binding protein 2; minus strand), LOC105378685 (uncharacterized LOC105378685; minus strand). Cytogenetic location: 1p34.2.
Variant type: single nucleotide variant.
Coding change: c.3105G>T on transcript NM_001378189.1 (MANE Select); coding-DNA position 3105, G replaced by T.
Protein change: p.Glu1035Asp; replaces glutamic acid 1035 with aspartic acid.
Molecular consequence: missense variant.
Genome position (GRCh38, 1-based): chr1:43,232,603, G>T. VCF-style: chr1-43232603-G-T. GRCh37 (hg19) VCF-style: chr1-43698274-G-T.
Other names: c.3204G>T, p.Glu1068Asp (NM_001195831.3); short protein forms E1035D, E1068D.
Identifiers: ClinVar variation 2636302 (VCV002636302.1), dbSNP rs2545466435, ClinGen allele CA339989515.

ClinVar aggregate classification (germline): Uncertain significance (1 of 4 stars; one submission).

Conditions:
CFAP57-related disorder. Also called: CFAP57-related condition.

Submission:

PreventionGenetics, part of Exact Sciences
Classification: Uncertain significance for CFAP57-related condition. Last evaluated: 2022-08-25. Review status: criteria provided, single submitter. Criteria: ACMG Guidelines, 2015. Collection method: clinical testing. Allele origin: germline.
Comment: The CFAP57 c.3204G>T variant is predicted to result in the amino acid substitution p.Glu1068Asp. To our knowledge, this variant has not been reported in the literature or in a large population database, indicating this variant is rare. At this time, the clinical significance of this variant is uncertain due to the absence of conclusive functional and genetic evidence.